The following is an entry in ClinVar:

NM_178452.6(DNAAF1):c.1030+6C>T

Gene: DNAAF1 (dynein axonemal assembly factor 1; plus strand). Cytogenetic location: 16q24.1.
Variant type: single nucleotide variant.
Coding change: c.1030+6C>T on transcript NM_178452.6 (MANE Select); 6 bases into the intron after coding-DNA position 1030, C replaced by T.
Molecular consequence: intron variant. On other transcripts: missense variant (1).
Genome position (GRCh38, 1-based): chr16:84,165,955, C>T. VCF-style: chr16-84165955-C-T. GRCh37 (hg19) VCF-style: chr16-84199561-C-T.
Other names: c.280C>T, p.Arg94Cys (NM_001318756.1); short protein forms R94C.
Identifiers: ClinVar variation 4752334 (VCV004752334.2).

ClinVar aggregate classification (germline): Conflicting classifications of pathogenicity. Review status: criteria provided, conflicting classifications (1 of 4 stars). 2 submissions from 2 submitters: Uncertain significance (1); Likely benign (1). Last evaluated 2025-04-09.

Conditions:
Primary ciliary dyskinesia. Also called: Ciliary dyskinesia. Identifiers: Orphanet 244, MedGen C0008780, MONDO:0016575, HP:0012265.

gnomAD v4.1: 37 of 1,610,766 alleles (0.0023%); highest among the groups gnomAD compares: East Asian, 0.027%; no homozygotes.

Submissions (2):

Labcorp Genetics (formerly Invitae), Labcorp
Classification: Uncertain significance for Primary ciliary dyskinesia. Last evaluated: 2025-04-09. Review status: criteria provided, single submitter. Criteria: Invitae Variant Classification Sherloc (09022015). Collection method: clinical testing. Allele origin: germline.
Comment: This sequence change falls in intron 7 of the DNAAF1 gene. It does not directly change the encoded amino acid sequence of the DNAAF1 protein. It affects a nucleotide within the consensus splice site. This variant is present in population databases (rs746229295, gnomAD 0.04%). This variant has not been reported in the literature in individuals affected with DNAAF1-related conditions. Variants that disrupt the consensus splice site are a relatively common cause of aberrant splicing (PMID: 17576681, 9536098). Algorithms developed to predict the effect of sequence changes on RNA splicing suggest that this variant is not likely to affect RNA splicing. In summary, the available evidence is currently insufficient to determine the role of this variant in disease. Therefore, it has been classified as a Variant of Uncertain Significance.

Blueprint Genetics
Classification: Likely benign. Last evaluated: 2023-07-05. Review status: criteria provided, single submitter. Criteria: ACMG Guidelines, 2015. Collection method: clinical testing. Allele origin: germline.

Literature cited by the submitters: PubMed 17576681 (cited by Labcorp Genetics (formerly Invitae), Labcorp); PubMed 9536098 (cited by Labcorp Genetics (formerly Invitae), Labcorp).